The following is an entry in ClinVar:

NM_004817.4(TJP2):c.1939G>T (p.Ala647Ser)

Gene: TJP2 (tight junction protein 2; plus strand). Cytogenetic location: 9q21.11.
Variant type: single nucleotide variant.
Coding change: c.1939G>T on transcript NM_004817.4 (MANE Select); coding-DNA position 1939, G replaced by T.
Protein change: p.Ala647Ser; replaces alanine 647 with serine.
Molecular consequence: missense variant.
Genome position (GRCh38, 1-based): chr9:69,236,186, G>T. VCF-style: chr9-69236186-G-T. GRCh37 (hg19) VCF-style: chr9-71851102-G-T.
Other names: c.1870G>T, p.Ala624Ser (NM_001170414.2, NM_001369871.1); c.1951G>T, p.Ala651Ser (NM_001170415.1, NM_001369874.1, NM_001369875.1); c.2032G>T, p.Ala678Ser (NM_001170416.2); c.1864G>T, p.Ala622Ser (NM_001369870.1); c.1939G>T, p.Ala647Ser (NM_001369872.1, NM_001369873.1, NM_201629.3); short protein forms A622S, A624S, A647S, A651S, A678S.
Identifiers: ClinVar variation 3391609 (VCV003391609.2).

ClinVar aggregate classification (germline): Uncertain significance (1 of 4 stars; one submission).

gnomAD v4.1: 36 of 1,614,148 alleles (0.0022%); highest among the groups gnomAD compares: East Asian, 0.065%; no homozygotes.

Submission:

GeneDx
Classification: Uncertain significance. Last evaluated: 2026-01-20. Review status: criteria provided, single submitter. Criteria: GeneDx Variant Classification Process June 2021. Collection method: clinical testing. Allele origin: germline.
Comment: In silico analysis suggests that this missense variant does not alter protein structure/function; Has not been previously published as pathogenic or benign to our knowledge